The following is an entry in ClinVar:

ClinVar aggregate classification (germline): Likely pathogenic (1 of 4 stars; one submission).

Conditions:
Neurofibromatosis, type 1 (NF1). Also called: VON RECKLINGHAUSEN DISEASE; NEUROFIBROMATOSIS, TYPE I, SOMATIC; Peripheral type neurofibromatosis; Neurofibromatosis, type I. Identifiers: Orphanet 636, MedGen C0027831, MONDO:0018975, OMIM 162200. Disease mechanism: loss of function.

Submission:

Labcorp Genetics (formerly Invitae), Labcorp
Classification: Likely pathogenic for Neurofibromatosis, type 1. Last evaluated: 2022-11-29. Review status: criteria provided, single submitter. Criteria: Invitae Variant Classification Sherloc (09022015). Collection method: clinical testing. Allele origin: germline.
Comment: This variant has not been reported in the literature in individuals affected with NF1-related conditions. ClinVar contains an entry for this variant (Variation ID: 956350). Advanced modeling of protein sequence and biophysical properties (such as structural, functional, and spatial information, amino acid conservation, physicochemical variation, residue mobility, and thermodynamic stability) performed at Invitae indicates that this missense variant is expected to disrupt NF1 protein function. This variant disrupts the p.Leu380 amino acid residue in NF1. Other variant(s) that disrupt this residue have been determined to be pathogenic (PMID: 21520333, 27999334; Invitae). This suggests that this residue is clinically significant, and that variants that disrupt this residue are likely to be disease-causing. In summary, the currently available evidence indicates that the variant is pathogenic, but additional data are needed to prove that conclusively. Therefore, this variant has been classified as Likely Pathogenic. This sequence change replaces leucine, which is neutral and non-polar, with histidine, which is basic and polar, at codon 380 of the NF1 protein (p.Leu380His). This variant is not present in population databases (gnomAD no frequency).

Literature cited by the submitters: PubMed 21520333; PubMed 27999334.

NM_001042492.3(NF1):c.1139T>A (p.Leu380His)

Gene: NF1 (neurofibromin 1; plus strand). Cytogenetic location: 17q11.2.
Variant type: single nucleotide variant.
Coding change: c.1139T>A on transcript NM_001042492.3 (MANE Select); coding-DNA position 1139, T replaced by A.
Protein change: p.Leu380His; replaces leucine 380 with histidine.
Molecular consequence: missense variant.
Genome position (GRCh38, 1-based): chr17:31,201,113, T>A. VCF-style: chr17-31201113-T-A. GRCh37 (hg19) VCF-style: chr17-29528131-T-A.
Other names: c.1139T>A, p.Leu380His (NM_000267.4, NM_001128147.3); short protein forms L380H.
Identifiers: ClinVar variation 956350 (VCV000956350.6), dbSNP rs1555611004, ClinGen allele CA398997074.